The following is an entry in ClinVar:

NM_000127.3(EXT1):c.651del (p.Ala219fs)

Gene: EXT1 (exostosin glycosyltransferase 1; minus strand). Cytogenetic location: 8q24.11.
Variant type: Deletion.
Coding change: c.651del on transcript NM_000127.3 (MANE Select); coding-DNA position 651, one base deleted (C; older notation c.651delC).
Protein change: p.Ala219fs; shifts the reading frame from alanine 219.
Molecular consequence: frameshift variant.
Genome position (GRCh38, 1-based): chr8:118,110,396, G deleted on the plus strand (C on the coding strand, the reverse complement: EXT1 is on the minus strand); the first of 2 consecutive G bases (chr8:118,110,396-118,110,397); deleting either gives the same sequence. VCF-style (leftmost placement, unchanged base first): chr8-118110395-TG-T. GRCh37 (hg19) VCF-style: chr8-119122634-TG-T.
Other names: c.651delC (NM_000127.2); short protein forms A219fs.
Identifiers: ClinVar variation 4870704 (VCV004870704.1).

ClinVar aggregate classification (germline): Pathogenic (1 of 4 stars; one submission).

Conditions:
Inborn genetic diseases. Identifiers: MedGen C0950123, MeSH D030342.

Submission:

Ambry Genetics
Classification: Pathogenic for Inborn genetic diseases. Last evaluated: 2026-04-10. Review status: criteria provided, single submitter. Criteria: Ambry Variant Classification Scheme 2023. Collection method: clinical testing. Allele origin: germline.
Comment: The c.651delC (p.A219Pfs*33) alteration, located in exon 1 (coding exon 1) of the EXT1 gene, consists of a deletion of one nucleotide at position 651, causing a translational frameshift with a predicted alternate stop codon after 33 amino acids. This variant is expected to result in loss of function by premature protein truncation or nonsense-mediated mRNA decay. This variant was not reported in population-based cohorts in the Genome Aggregation Database (gnomAD). Based on the available evidence, this alteration is classified as pathogenic.